The following is an entry in ClinVar:

ClinVar aggregate classification (germline): Conflicting classifications of pathogenicity. Review status: criteria provided, conflicting classifications (1 of 4 stars). 2 submissions from 2 submitters: Likely pathogenic (1); Uncertain significance (1). Last evaluated 2025-09-23.

Conditions:
Hereditary cancer-predisposing syndrome. Also called: Tumor predisposition; Hereditary Cancer Syndrome; Hereditary neoplastic syndrome; Neoplastic Syndromes, Hereditary. Identifiers: Orphanet 140162, MedGen C0027672, MeSH D009386, MONDO:0015356.
Familial adenomatous polyposis 2. Also called: FAP type 2; MUTYH Polyposis; COLORECTAL ADENOMATOUS POLYPOSIS, AUTOSOMAL RECESSIVE; ADENOMAS, MULTIPLE COLORECTAL, AUTOSOMAL RECESSIVE; MUTYH-associated polyposis; MUTYH-related attenuated familial adenomatous polyposis. Identifiers: Orphanet 220460, Orphanet 247798, MedGen C3272841, MONDO:0012041, OMIM 608456.

Submissions (2):

Ambry Genetics
Classification: Likely pathogenic for Hereditary cancer-predisposing syndrome. Last evaluated: 2025-09-23. Review status: criteria provided, single submitter. Criteria: Ambry Variant Classification Scheme 2023. Collection method: clinical testing. Allele origin: germline.
Comment: The p.Q230H variant (also known as c.690G>C), located in coding exon 8 of the MUTYH gene, results from a G to C substitution at nucleotide position 690. The amino acid change results in glutamine to histidine at codon 230, an amino acid with highly similar properties. However, this change occurs in the last base pair of coding exon 8, which makes it likely to have some effect on normal mRNA splicing. Though this exact alteration has not been reported in the literature, a similar alteration, c.690G>A, has been reported in a compound heterozygous state with another MUTYH mutation in individuals with polyposis and/or colorectal cancer (Vogt S et al. Gastroenterology 2009 Dec; 137(6):1976-85.e1-10; Dallosso AR et al. Gut 2008 Sep; 57(9):1252-5). RNA studies on c.690G>A have also demonstrated that this alteration causes exon 8 skipping (Dallosso AR et al. Gut 2008 Sep; 57(9):1252-5). This variant is considered to be rare based on population cohorts in the Genome Aggregation Database (gnomAD). This nucleotide position is highly conserved in available vertebrate species. This amino acid position is well conserved in available vertebrate species. In silico splice site analysis predicts that this alteration will weaken the native splice donor site; however, direct evidence is unavailable. In addition, as a missense substitution the in silico prediction for this alteration is inconclusive. Based on the majority of available evidence to date, this variant is likely to be pathogenic.

Labcorp Genetics (formerly Invitae), Labcorp
Classification: Uncertain significance for Familial adenomatous polyposis 2. Last evaluated: 2023-03-31. Review status: criteria provided, single submitter. Criteria: Invitae Variant Classification Sherloc (09022015). Collection method: clinical testing. Allele origin: germline.
Comment: This sequence change replaces glutamine, which is neutral and polar, with histidine, which is basic and polar, at codon 230 of the MUTYH protein (p.Gln230His). This variant also falls at the last nucleotide of exon 8, which is part of the consensus splice site for this exon. This variant is not present in population databases (gnomAD no frequency). This variant has not been reported in the literature in individuals affected with MUTYH-related conditions. ClinVar contains an entry for this variant (Variation ID: 826699). An algorithm developed to predict the effect of missense changes on protein structure and function (PolyPhen-2) suggests that this variant is likely to be tolerated. Variants that disrupt the consensus splice site are a relatively common cause of aberrant splicing (PMID: 17576681, 9536098). Algorithms developed to predict the effect of sequence changes on RNA splicing suggest that this variant may disrupt the consensus splice site. In summary, the available evidence is currently insufficient to determine the role of this variant in disease. Therefore, it has been classified as a Variant of Uncertain Significance.

Literature cited by the submitters: PubMed 17576681 (cited by Labcorp Genetics (formerly Invitae), Labcorp); PubMed 9536098 (cited by Labcorp Genetics (formerly Invitae), Labcorp).

NM_001048174.2(MUTYH):c.606G>C (p.Gln202His)

Gene: MUTYH (mutY DNA glycosylase; minus strand). Cytogenetic location: 1p34.1.
Variant type: single nucleotide variant.
Coding change: c.606G>C on transcript NM_001048174.2 (MANE Select); coding-DNA position 606, G replaced by C.
Protein change: p.Gln202His; replaces glutamine 202 with histidine.
Molecular consequence: missense variant. On other transcripts: non-coding transcript variant (2).
Genome position (GRCh38, 1-based): chr1:45,332,574, C>G on the plus strand (G>C on the coding strand, the complement: MUTYH is on the minus strand). VCF-style: chr1-45332574-C-G. GRCh37 (hg19) VCF-style: chr1-45798246-C-G.
Other names: c.606G>C, p.Gln202His (NM_001048171.2, NM_001048173.2, NM_001293195.2); c.609G>C, p.Gln203His (NM_001048172.2); c.690G>C, p.Gln230His (NM_001128425.2); c.651G>C, p.Gln217His (NM_001293190.2); c.639G>C, p.Gln213His (NM_001293191.2); c.330G>C, p.Gln110His (NM_001293192.2, NM_001293196.2); c.261G>C, p.Gln87His (NM_001350650.2, NM_001350651.2); c.681G>C, p.Gln227His (NM_012222.3); short protein forms Q202H, Q227H, Q230H, Q87H, Q110H, Q203H, Q213H, Q217H.
Identifiers: ClinVar variation 826699 (VCV000826699.8), dbSNP rs199989617, ClinGen allele CA340135257.
Genomic context (GRCh38, chr1:45,332,574, plus strand): 5'-GCCTGGGCTGGGAGGAAGGAGGCTGGGCACGCACAAAGTGGGGGTGGGCTGTGAGATCAC[C>G]TGGCCAAAGGCGATAGAGGCAATGGCCCCAGCTGTGTAGCGCCCCACGCCAGGCAGGAGC-3'
Protein context (NP_001041639.1, residues 192-212): AGAIASIAFG[Gln202His]ATGVVDGNVA